The following is an entry in ClinVar:

ClinVar aggregate classification (germline): Uncertain significance (0 of 4 stars; one submission).

Conditions:
SLC7A9-related disorder. Also called: SLC7A9-related condition.

Submission:

PreventionGenetics, part of Exact Sciences
Classification: Uncertain significance for SLC7A9-related condition. Last evaluated: 2024-04-04. Review status: no assertion criteria provided. Collection method: clinical testing. Allele origin: germline.
Comment: The SLC7A9 c.1283C>T variant is predicted to result in the amino acid substitution p.Pro428Leu. To our knowledge, this variant has not been reported in the literature or in a large population database, indicating this variant is rare. At this time, the clinical significance of this variant is uncertain due to the absence of conclusive functional and genetic evidence.

NM_014270.5(SLC7A9):c.1283C>T (p.Pro428Leu)

Gene: SLC7A9 (solute carrier family 7 member 9; minus strand). Cytogenetic location: 19q13.11.
Variant type: single nucleotide variant.
Coding change: c.1283C>T on transcript NM_014270.5 (MANE Select); coding-DNA position 1283, C replaced by T.
Protein change: p.Pro428Leu; replaces proline 428 with leucine.
Molecular consequence: missense variant.
Genome position (GRCh38, 1-based): chr19:32,833,265, G>A on the plus strand (C>T on the coding strand, the complement: SLC7A9 is on the minus strand). VCF-style: chr19-32833265-G-A. GRCh37 (hg19) VCF-style: chr19-33324171-G-A.
Other names: c.1283C>T, p.Pro428Leu (NM_001126335.2, NM_001243036.2); short protein forms P428L.
Identifiers: ClinVar variation 3356590 (VCV003356590.1).
Genomic context (GRCh38, chr19:32,833,265, plus strand): 5'-AGGCCGCTTAATATAAACAGCACACAGTAGAGGTACTCCCAGGTGGGCTTGCTGATGATT[G>A]GAGCCAGAACCAAAAACACAGAGATGAGTGTCATCAAGACGGGAATGACTACGGGCACCT-3'
Protein context (NP_055085.1, residues 418-438): TLISVFLVLA[Pro428Leu]IISKPTWEYL